The following is an entry in ClinVar:

NM_001276345.2(TNNT2):c.851T>C (p.Val284Ala)

Gene: TNNT2 (troponin T2, cardiac type; minus strand). Cytogenetic location: 1q32.1.
Variant type: single nucleotide variant.
Coding change: c.851T>C on transcript NM_001276345.2 (MANE Select); coding-DNA position 851, T replaced by C.
Protein change: p.Val284Ala; replaces valine 284 with alanine.
Molecular consequence: missense variant.
Genome position (GRCh38, 1-based): chr1:201,359,623, A>G on the plus strand (T>C on the coding strand, the complement: TNNT2 is on the minus strand). VCF-style: chr1-201359623-A-G. GRCh37 (hg19) VCF-style: chr1-201328751-A-G.
Other names: c.842T>C, p.Val281Ala (NM_000364.4, NM_001406723.1); c.821T>C, p.Val274Ala (NM_001001430.3, NM_001276347.2, NM_001406724.1); c.812T>C, p.Val271Ala (NM_001001431.3, NM_001406726.1, NM_001406727.1); c.803T>C, p.Val268Ala (NM_001001432.3); c.722T>C, p.Val241Ala (NM_001276346.2); c.818T>C, p.Val273Ala (NM_001406725.1); c.806T>C, p.Val269Ala (NM_001406728.1); short protein forms V281A, V268A, V269A, V271A, V273A, V284A, V241A, V274A.
Identifiers: ClinVar variation 2119540 (VCV002119540.5), dbSNP rs1289010014, ClinGen allele CA344202311.

ClinVar aggregate classification (germline): Uncertain significance. Review status: criteria provided, multiple submitters, no conflicts (2 of 4 stars). 2 submissions from 2 submitters: Uncertain significance (2). Last evaluated 2024-06-03.

Conditions:
Hypertrophic cardiomyopathy 2. Also called: TNNT2-Related Familial Hypertrophic Cardiomyopathy. Identifiers: MedGen C1861864, MONDO:0007266, OMIM 115195.
Cardiomyopathy, familial restrictive, 3. Identifiers: Orphanet 75249, MedGen C2676271, MONDO:0012900, OMIM 612422.
Dilated cardiomyopathy 1D. Identifiers: Orphanet 154, Orphanet 54260, MedGen C1832243, MONDO:0011095, OMIM 601494.
Cardiomyopathy (CMYO). Also called: Cardiomyopathies. Identifiers: Orphanet 167848, MedGen C0878544, MONDO:0004994, HP:0001638. Inheritance: Various modes of inheritance.

Allele frequency attached by ClinVar (database versions not stated): gnomAD exomes below 0.00001.
gnomAD v4.1: 1 of 1,599,648 alleles (0.000063%); highest among the groups gnomAD compares: Admixed American, 0.0017%; no homozygotes.

Submissions (2):

Labcorp Genetics (formerly Invitae), Labcorp
Classification: Uncertain significance for Cardiomyopathy, familial restrictive, 3; Hypertrophic cardiomyopathy 2; Dilated cardiomyopathy 1D. Last evaluated: 2024-06-03. Review status: criteria provided, single submitter. Criteria: Invitae Variant Classification Sherloc (09022015). Collection method: clinical testing. Allele origin: germline.
Comment: This sequence change replaces valine, which is neutral and non-polar, with alanine, which is neutral and non-polar, at codon 274 of the TNNT2 protein (p.Val274Ala). This variant is not present in population databases (gnomAD no frequency). This variant has not been reported in the literature in individuals affected with TNNT2-related conditions. ClinVar contains an entry for this variant (Variation ID: 2119540). An algorithm developed to predict the effect of missense changes on protein structure and function (PolyPhen-2) suggests that this variant is likely to be disruptive. In summary, the available evidence is currently insufficient to determine the role of this variant in disease. Therefore, it has been classified as a Variant of Uncertain Significance.

All of Us Research Program, National Institutes of Health
Classification: Uncertain significance for Cardiomyopathy. Last evaluated: 2023-12-18. Review status: criteria provided, single submitter. Criteria: ACMG Guidelines, 2015. Collection method: clinical testing. Allele origin: germline. Inheritance: Autosomal dominant inheritance. Observed: 1 variant allele, 1 heterozygote.
Comment: This missense variant replaces valine with alanine at codon 274 of the TNNT2 protein. Computational prediction suggests that this variant may not impact protein structure and function (internally defined REVEL score threshold <= 0.5, PMID: 27666373). To our knowledge, functional studies have not been reported for this variant. This variant has not been reported in individuals affected with TNNT2-related disorders in the literature. This variant has not been identified in the general population by the Genome Aggregation Database (gnomAD). The available evidence is insufficient to determine the role of this variant in disease conclusively. Therefore, this variant is classified as a Variant of Uncertain Significance.

This study involves interpretation of variants in research participants for the purpose of population health screening. Participant phenotype was not available at the time of variant classification. Additional details can be found in publication PMID: 35346344, PMCID: PMC8962531